The following is an entry in ClinVar:

NM_001709.5(BDNF):c.447G>A (p.Thr149=)

Genes: BDNF (brain derived neurotrophic factor; minus strand), BDNF-AS (BDNF antisense RNA; plus strand). Cytogenetic location: 11p14.1.
Variant type: single nucleotide variant.
Coding change: c.447G>A on transcript NM_001709.5 (MANE Select); coding-DNA position 447, G replaced by A.
Protein change: p.Thr149=; no amino-acid change (threonine 149 retained).
Molecular consequence: synonymous variant.
Genome position (GRCh38, 1-based): chr11:27,658,118, C>T on the plus strand (G>A on the coding strand, the complement: BDNF is on the minus strand). VCF-style: chr11-27658118-C-T. GRCh37 (hg19) VCF-style: chr11-27679665-C-T.
Other names: c.447G>A, p.Thr149= (NM_001143805.1, NM_001143806.1, NM_001143807.2 and 9 more transcripts); c.534G>A, p.Thr178= (NM_001143809.2); c.693G>A, p.Thr231= (NM_001143810.2); c.471G>A, p.Thr157= (NM_170731.5); c.492G>A, p.Thr164= (NM_170734.4); c.693G>A (NM_001143810.1).
Identifiers: ClinVar variation 2309743 (VCV002309743.7), dbSNP rs144235869, ClinGen allele CA5929096.

ClinVar aggregate classification (germline): Likely benign. Review status: criteria provided, multiple submitters, no conflicts (2 of 4 stars). 3 submissions from 3 submitters: Likely benign (2). 1 of the submissions does not count toward it. Last evaluated 2023-08-04.

Conditions:
Inborn genetic diseases. Identifiers: MedGen C0950123, MeSH D030342.
BDNF-related disorder. Also called: BDNF-related condition.

Allele frequency attached by ClinVar (database versions not stated): ESP Exome Variant Server 0.00008; ExAC 0.00009; TOPMed 0.00016; gnomAD 0.00018; gnomAD exomes 0.00018.
gnomAD v4.1: 295 of 1,614,114 alleles (0.018%); highest among the groups gnomAD compares: Middle Eastern, 0.066%; no homozygotes.

Submissions (3):

Labcorp Genetics (formerly Invitae), Labcorp
Classification: Likely benign. Last evaluated: 2023-08-04. Review status: criteria provided, single submitter. Criteria: Invitae Variant Classification Sherloc (09022015). Collection method: clinical testing. Allele origin: germline.

Ambry Genetics
Classification: Likely benign for Inborn genetic diseases. Last evaluated: 2022-10-18. Review status: criteria provided, single submitter. Criteria: Ambry Variant Classification Scheme 2023. Collection method: clinical testing. Allele origin: germline.

PreventionGenetics, part of Exact Sciences
Classification: Likely benign for BDNF-related condition. Last evaluated: 2020-04-03. Review status: no assertion criteria provided. Collection method: clinical testing. Allele origin: germline. Not counted in ClinVar's aggregate classification.
Comment: This variant is classified as likely benign based on ACMG/AMP sequence variant interpretation guidelines (Richards et al. 2015 PMID: 25741868, with internal and published modifications).